The following is an entry in ClinVar:

NM_000277.3(PAH):c.511G>T (p.Gly171Trp)

Gene: PAH (phenylalanine hydroxylase; minus strand). Cytogenetic location: 12q23.2.
Variant type: single nucleotide variant.
Coding change: c.511G>T on transcript NM_000277.3 (MANE Select); coding-DNA position 511, G replaced by T.
Protein change: p.Gly171Trp; replaces glycine 171 with tryptophan.
Molecular consequence: missense variant.
Genome position (GRCh38, 1-based): chr12:102,855,331, C>A on the plus strand (G>T on the coding strand, the complement: PAH is on the minus strand). VCF-style: chr12-102855331-C-A. GRCh37 (hg19) VCF-style: chr12-103249109-C-A.
Other names: NM_000277.1:c.511G>T; c.511G>T, p.Gly171Trp (NM_001354304.2); short protein forms G171W.
Identifiers: ClinVar variation 3771197 (VCV003771197.14).

ClinVar aggregate classification (germline): Uncertain significance. Review status: reviewed by expert panel (3 of 4 stars). 3 submissions from 3 submitters: Uncertain significance (1). 2 of the submissions do not count toward it. Last evaluated 2025-10-12.

Conditions:
Phenylketonuria (PKU). Also called: FOLLING DISEASE; Phenylketonurias; OLIGOPHRENIA PHENYLPYRUVICA; Phenylketonuria (PKU). Identifiers: Orphanet 716, MedGen C0031485, MONDO:0009861, OMIM 261600. Disease mechanism: loss of function.

gnomAD v4.1: 10 of 1,613,912 alleles (0.00062%); highest among the groups gnomAD compares: Non-Finnish European, 0.00076%; no homozygotes.

Submissions (3):

ClinGen PAH Variant Curation Expert Panel
Classification: Uncertain significance for Phenylketonuria. Last evaluated: 2025-10-12. Review status: reviewed by expert panel. Criteria: ClinGen PAH ACMG Specifications v1. Collection method: curation. Allele origin: germline. Inheritance: Autosomal recessive inheritance.
Comment: The c.511G>T (p.Gly171Trp) variant in PAH has not been published to our knowledge. The reference in BioPKU cannot be located. This variant has an extremely low frequency in gnomAD v4.1 (0.000006196). It is predicted deleterious in REVEL=0.921. A different variant at the same amino acid position, c.511G>A (p.Gly171Arg) (VarID:102716) is reported Likely Pathogenic by the Expert Panel. In summary, this variant meets criteria to be classified as uncertain significance for PAH. PAH-specific ACMG/AMP criteria applied: PM2_supporting, PP3_moderate, PM5.

Myriad Genetics, Inc.
Classification: Uncertain significance for Phenylketonuria. Last evaluated: 2026-08-21. Review status: criteria provided, single submitter. Criteria: Myriad Autosomal Dominant, Autosomal Recessive and X-Linked Classification Criteria (2023). Collection method: clinical testing. Allele origin: unknown. Not counted in ClinVar's aggregate classification.
Comment: NM_000277.1(PAH):c.511G>T(G171W) is a missense variant classified as a variant of uncertain significance in the context of phenylalanine hydroxylase deficiency. G171W has been observed in a case with relevant disease (PMID: 40293582). Relevant functional assessments of this variant are not available in the literature. G171W has not been observed in referenced population frequency databases. In summary, there is insufficient evidence to classify NM_000277.1(PAH):c.511G>T(G171W) as pathogenic or benign. Please note: this variant was assessed in the context of healthy population screening.

CeGaT Center for Human Genetics Tuebingen
Classification: Likely pathogenic. Last evaluated: 2025-02-01. Review status: criteria provided, single submitter. Criteria: CeGaT Center For Human Genetics Tuebingen Variant Classification Criteria Version 2. Collection method: clinical testing. Allele origin: germline. Affected: yes. Observed: 1 variant allele. Not counted in ClinVar's aggregate classification.
Comment: PAH: PM2, PM5, PP4:Moderate, PM3:Supporting

Literature cited by the submitters: PubMed 40293582 (cited by Myriad Genetics, Inc.).